The following is an entry in ClinVar:

NM_001330078.2(NRXN1):c.4000A>G (p.Met1334Val)

Gene: NRXN1 (neurexin 1; minus strand). Cytogenetic location: 2p16.3.
Variant type: single nucleotide variant.
Coding change: c.4000A>G on transcript NM_001330078.2 (MANE Select); coding-DNA position 4000, A replaced by G.
Protein change: p.Met1334Val; replaces methionine 1334 with valine.
Molecular consequence: missense variant.
Genome position (GRCh38, 1-based): chr2:50,053,399, T>C on the plus strand (A>G on the coding strand, the complement: NRXN1 is on the minus strand). VCF-style: chr2-50053399-T-C. GRCh37 (hg19) VCF-style: chr2-50280537-T-C.
Other names: c.4120A>G, p.Met1374Val (NM_001135659.3); c.3976A>G, p.Met1326Val (NM_001330077.2, NM_001330082.2); c.3844A>G, p.Met1282Val (NM_001330083.2); c.3934A>G, p.Met1312Val (NM_001330084.2); c.3973A>G, p.Met1325Val (NM_001330085.2); c.4000A>G, p.Met1334Val (NM_001330086.2); c.3799A>G, p.Met1267Val (NM_001330087.2, NM_001330096.2); c.3829A>G, p.Met1277Val (NM_001330088.2); and 6 more; short protein forms M1267V, M1277V, M1282V, M1287V, M1304V, M1312V, M1325V, M1326V.
Identifiers: ClinVar variation 1006493 (VCV001006493.8), dbSNP rs762340220, ClinGen allele CA1654317.

ClinVar aggregate classification (germline): Uncertain significance (1 of 4 stars; one submission).

Conditions:
Pitt-Hopkins-like syndrome 2 (PTHSL2). Identifiers: Orphanet 221150, Orphanet 600663, MedGen C3280479, MONDO:0013690, OMIM 614325.

Allele frequency attached by ClinVar (database versions not stated): TOPMed below 0.00001; ExAC 0.00001; gnomAD 0.00001; gnomAD exomes 0.00001.

Submission:

Labcorp Genetics (formerly Invitae), Labcorp
Classification: Uncertain significance for Pitt-Hopkins-like syndrome 2. Last evaluated: 2025-02-24. Review status: criteria provided, single submitter. Criteria: Invitae Variant Classification Sherloc (09022015). Collection method: clinical testing. Allele origin: germline.
Comment: This sequence change replaces methionine, which is neutral and non-polar, with valine, which is neutral and non-polar, at codon 1374 of the NRXN1 protein (p.Met1374Val). This variant is present in population databases (rs762340220, gnomAD 0.003%). This variant has not been reported in the literature in individuals affected with NRXN1-related conditions. ClinVar contains an entry for this variant (Variation ID: 1006493). Invitae Evidence Modeling of protein sequence and biophysical properties (such as structural, functional, and spatial information, amino acid conservation, physicochemical variation, residue mobility, and thermodynamic stability) indicates that this missense variant is not expected to disrupt NRXN1 protein function with a negative predictive value of 80%. In summary, the available evidence is currently insufficient to determine the role of this variant in disease. Therefore, it has been classified as a Variant of Uncertain Significance.